The following is an entry in ClinVar:

ClinVar aggregate classification (germline): Uncertain significance (1 of 4 stars; one submission).

gnomAD v4.1: 1 of 1,613,964 alleles (0.000062%); no homozygotes.

Submission:

GeneDx
Classification: Uncertain significance. Last evaluated: 2025-06-08. Review status: criteria provided, single submitter. Criteria: GeneDx Variant Classification Process June 2021. Collection method: clinical testing. Allele origin: germline. Affected: yes.
Comment: Not observed at significant frequency in large population cohorts (gnomAD); In silico analysis supports that this missense variant has a deleterious effect on protein structure/function; Has not been previously published as pathogenic or benign to our knowledge

NM_001070.5(TUBG1):c.800A>C (p.His267Pro)

Gene: TUBG1 (tubulin gamma 1; plus strand). Cytogenetic location: 17q21.2.
Variant type: single nucleotide variant.
Coding change: c.800A>C on transcript NM_001070.5 (MANE Select); coding-DNA position 800, A replaced by C.
Protein change: p.His267Pro; replaces histidine 267 with proline.
Molecular consequence: missense variant.
Genome position (GRCh38, 1-based): chr17:42,613,955, A>C. VCF-style: chr17-42613955-A-C. GRCh37 (hg19) VCF-style: chr17-40765973-A-C.
Other names: short protein forms H267P.
Identifiers: ClinVar variation 4536214 (VCV004536214.1).